The following is an entry in ClinVar:

NM_001378120.1(MBD5):c.4590G>A (p.Gln1530=)

Gene: MBD5 (methyl-CpG binding domain protein 5; plus strand). Cytogenetic location: 2q23.1.
Variant type: single nucleotide variant.
Coding change: c.4590G>A on transcript NM_001378120.1 (MANE Select); coding-DNA position 4590, G replaced by A.
Protein change: p.Gln1530=; no amino-acid change (glutamine 1530 retained).
Molecular consequence: synonymous variant.
Genome position (GRCh38, 1-based): chr2:148,490,222, G>A. VCF-style: chr2-148490222-G-A. GRCh37 (hg19) VCF-style: chr2-149247791-G-A.
Other names: c.3891G>A, p.Gln1297= (NM_018328.5).
Identifiers: ClinVar variation 382677 (VCV000382677.6), dbSNP rs1057521419, ClinGen allele CA16603834.

ClinVar aggregate classification (germline): Likely benign. Review status: criteria provided, multiple submitters, no conflicts (2 of 4 stars). 2 submissions from 2 submitters: Likely benign (2). Last evaluated 2025-12-13.

Conditions:
Intellectual developmental disorder, autosomal dominant 1. Also called: Intellectual disability, autosomal dominant 1; MBD5 Haploinsufficiency. Identifiers: Orphanet 228402, MedGen C1969562, MONDO:0007974, OMIM 156200.

Allele frequency attached by ClinVar (database versions not stated): gnomAD exomes below 0.00001; gnomAD 0.00001.
gnomAD v4.1: 2 of 1,614,082 alleles (0.00012%); highest among the groups gnomAD compares: Non-Finnish European, 0.00017%; no homozygotes.

Submissions (2):

Labcorp Genetics (formerly Invitae), Labcorp
Classification: Likely benign for Intellectual developmental disorder, autosomal dominant 1. Last evaluated: 2025-12-13. Review status: criteria provided, single submitter. Criteria: Invitae Variant Classification Sherloc (09022015). Collection method: clinical testing. Allele origin: germline.

GeneDx
Classification: Likely benign. Last evaluated: 2016-01-08. Review status: criteria provided, single submitter. Criteria: GeneDx Variant Classification (06012015). Collection method: clinical testing. Allele origin: germline. Affected: yes.
Comment: This variant is considered likely benign or benign based on one or more of the following criteria: it is a conservative change, it occurs at a poorly conserved position in the protein, it is predicted to be benign by multiple in silico algorithms, and/or has population frequency not consistent with disease.